The following is an entry in ClinVar:

ClinVar aggregate classification (germline): Uncertain significance (1 of 4 stars; one submission).

Submission:

Labcorp Genetics (formerly Invitae), Labcorp
Classification: Uncertain significance. Last evaluated: 2022-06-28. Review status: criteria provided, single submitter. Criteria: Invitae Variant Classification Sherloc (09022015). Collection method: clinical testing. Allele origin: germline.
Comment: This variant has not been reported in the literature in individuals affected with PDHX-related conditions. In summary, the available evidence is currently insufficient to determine the role of this variant in disease. Therefore, it has been classified as a Variant of Uncertain Significance. Algorithms developed to predict the effect of missense changes on protein structure and function are either unavailable or do not agree on the potential impact of this missense change (SIFT: "Tolerated"; PolyPhen-2: "Possibly Damaging"; Align-GVGD: "Class C0"). This variant is not present in population databases (gnomAD no frequency). This sequence change replaces glutamic acid, which is acidic and polar, with lysine, which is basic and polar, at codon 481 of the PDHX protein (p.Glu481Lys).

NM_003477.3(PDHX):c.1441G>A (p.Glu481Lys)

Gene: PDHX (pyruvate dehydrogenase complex component X; plus strand). Cytogenetic location: 11p13.
Variant type: single nucleotide variant.
Coding change: c.1441G>A on transcript NM_003477.3 (MANE Select); coding-DNA position 1441, G replaced by A.
Protein change: p.Glu481Lys; replaces glutamic acid 481 with lysine.
Molecular consequence: missense variant.
Genome position (GRCh38, 1-based): chr11:34,995,107, G>A. VCF-style: chr11-34995107-G-A. GRCh37 (hg19) VCF-style: chr11-35016654-G-A.
Other names: c.1261G>A, p.Glu421Lys (NM_001135024.2); c.760G>A, p.Glu254Lys (NM_001166158.2); short protein forms E421K, E481K, E254K.
Identifiers: ClinVar variation 1472466 (VCV001472466.5), dbSNP rs1855834074, ClinGen allele CA380127158.
Genomic context (GRCh38, chr11:34,995,107, plus strand): 5'-CTGCAGCAGCGCCAGCTCATAACAGTCACAATGTCAAGTGACAGTCGAGTGGTTGATGAC[G>A]AACTGGCAACCAGGTTTCTTAAAAGTTTTAAAGCAAACCTAGAGAATCCTATCCGACTTG-3'
Protein context (NP_003468.2, residues 471-491): MSSDSRVVDD[Glu481Lys]LATRFLKSFK